The following is an entry in ClinVar:

ClinVar aggregate classification (germline): Likely benign. Review status: criteria provided, multiple submitters, no conflicts (2 of 4 stars). 2 submissions from 2 submitters: Likely benign (2). Last evaluated 2025-11-17.

Conditions:
BAP1-related tumor predisposition syndrome (TPDS1). Also called: COMMON Syndrome; Tumor susceptibility linked to germline BAP1 mutations; BAP1 tumor predisposition syndrome; TUMOR PREDISPOSITION SYNDROME 1. Identifiers: Orphanet 289539, MedGen C3280492, MONDO:0013692, OMIM 614327.

Allele frequency attached by ClinVar (database versions not stated): TOPMed below 0.00001; gnomAD 0.00001.
gnomAD v4.1: 2 of 1,614,094 alleles (0.00012%); highest among the groups gnomAD compares: Admixed American, 0.0017%; no homozygotes.

Submissions (2):

Labcorp Genetics (formerly Invitae), Labcorp
Classification: Likely benign for BAP1-related tumor predisposition syndrome. Last evaluated: 2025-11-17. Review status: criteria provided, single submitter. Criteria: Invitae Variant Classification Sherloc (09022015). Collection method: clinical testing. Allele origin: germline.

Myriad Genetics, Inc.
Classification: Likely benign for BAP1-related tumor predisposition syndrome. Last evaluated: 2024-07-16. Review status: criteria provided, single submitter. Criteria: Myriad Autosomal Dominant, Autosomal Recessive and X-Linked Classification Criteria (2023). Collection method: clinical testing. Allele origin: unknown.
Comment: This variant is considered likely benign. This variant is intronic and is not expected to impact mRNA splicing.

NM_004656.4(BAP1):c.1250+8C>T

Gene: BAP1 (BRCA1 associated deubiquitinase 1; minus strand). Cytogenetic location: 3p21.1.
Variant type: single nucleotide variant.
Coding change: c.1250+8C>T on transcript NM_004656.4 (MANE Select); 8 bases into the intron after coding-DNA position 1250, C replaced by T.
Molecular consequence: intron variant.
Genome position (GRCh38, 1-based): chr3:52,404,445, G>A on the plus strand (C>T on the coding strand, the complement: BAP1 is on the minus strand). VCF-style: chr3-52404445-G-A. GRCh37 (hg19) VCF-style: chr3-52438461-G-A.
Identifiers: ClinVar variation 755158 (VCV000755158.8), dbSNP rs1282283718, ClinGen allele CA908133253.
Genomic context (GRCh38, chr3:52,404,445, plus strand): 5'-CAGACTGAGATATTCAGGATGGGATCCGAAGCACCTAGAACCTGGTAGCCTTAGAAAGCT[G>A]GGCTGACCTAAGGGCAGAGTTGGTGTTCTGCACGTCATCCTCCTCGTCATCCTCATAGTC-3'